The following is an entry in ClinVar:

NM_001145809.2(MYH14):c.1647C>G (p.Ile549Met)

Gene: MYH14 (myosin heavy chain 14; plus strand). Cytogenetic location: 19q13.33.
Variant type: single nucleotide variant.
Coding change: c.1647C>G on transcript NM_001145809.2 (MANE Select); coding-DNA position 1647, C replaced by G.
Protein change: p.Ile549Met; replaces isoleucine 549 with methionine.
Molecular consequence: missense variant.
Genome position (GRCh38, 1-based): chr19:50,249,814, C>G. VCF-style: chr19-50249814-C-G. GRCh37 (hg19) VCF-style: chr19-50753071-C-G.
Other names: c.1647C>G, p.Ile549Met (NM_001077186.2); c.1623C>G, p.Ile541Met (NM_024729.4); c.1623C>G (NM_024729.3); short protein forms I541M, I549M.
Identifiers: ClinVar variation 3023250 (VCV003023250.4), dbSNP rs751530276, ClinGen allele CA309596386.

ClinVar aggregate classification (germline): Uncertain significance. Review status: criteria provided, multiple submitters, no conflicts (2 of 4 stars). 2 submissions from 2 submitters: Uncertain significance (2). Last evaluated 2025-10-29.

Conditions:
Inborn genetic diseases. Identifiers: MedGen C0950123, MeSH D030342.

Allele frequency attached by ClinVar (database versions not stated): gnomAD 0.00005; TOPMed 0.00005.
gnomAD v4.1: 10 of 1,614,066 alleles (0.00062%); highest among the groups gnomAD compares: Non-Finnish European, 0.00085%; no homozygotes.

Submissions (2):

Ambry Genetics
Classification: Uncertain significance for Inborn genetic diseases. Last evaluated: 2025-10-29. Review status: criteria provided, single submitter. Criteria: Ambry Variant Classification Scheme 2023. Collection method: clinical testing. Allele origin: germline.

Labcorp Genetics (formerly Invitae), Labcorp
Classification: Uncertain significance. Last evaluated: 2024-12-27. Review status: criteria provided, single submitter. Criteria: Invitae Variant Classification Sherloc (09022015). Collection method: clinical testing. Allele origin: germline.
Comment: This sequence change replaces isoleucine, which is neutral and non-polar, with methionine, which is neutral and non-polar, at codon 541 of the MYH14 protein (p.Ile541Met). This variant is present in population databases (no rsID available, gnomAD 0.002%). This variant has not been reported in the literature in individuals affected with MYH14-related conditions. ClinVar contains an entry for this variant (Variation ID: 3023250). Invitae Evidence Modeling of protein sequence and biophysical properties (such as structural, functional, and spatial information, amino acid conservation, physicochemical variation, residue mobility, and thermodynamic stability) indicates that this missense variant is expected to disrupt MYH14 protein function with a positive predictive value of 80%. In summary, the available evidence is currently insufficient to determine the role of this variant in disease. Therefore, it has been classified as a Variant of Uncertain Significance.